The following is an entry in ClinVar:

NM_015662.3(IFT172):c.1179A>G (p.Gln393=)

Gene: IFT172 (intraflagellar transport 172; minus strand). Cytogenetic location: 2p23.3.
Variant type: single nucleotide variant.
Coding change: c.1179A>G on transcript NM_015662.3 (MANE Select); coding-DNA position 1179, A replaced by G.
Protein change: p.Gln393=; no amino-acid change (glutamine 393 retained).
Molecular consequence: synonymous variant.
Genome position (GRCh38, 1-based): chr2:27,477,601, T>C on the plus strand (A>G on the coding strand, the complement: IFT172 is on the minus strand). VCF-style: chr2-27477601-T-C. GRCh37 (hg19) VCF-style: chr2-27700468-T-C.
Other names: c.1179A>G, p.Gln393= (NM_001410739.1).
Identifiers: ClinVar variation 4987603 (VCV004987603.1).
Genomic context (GRCh38, chr2:27,477,601, plus strand): 5'-GAATCAAGCTCTACTCACATTCTCATTTTCAAAGAAATACTTCTCATTGCCACCAGATCC[T>C]TGCCAGGCTATCTGTAACGGGAGAAGACTTAAGAAGCAATGTGGATAAATACCCAAGATA-3'
Protein context (NP_056477.1, residues 383-403): NTNRLSEIAW[Gln393=]GSGGNEKYFF

ClinVar aggregate classification (germline): Likely benign (1 of 4 stars; one submission).

Conditions:
IFT172-related disorder. Also called: IFT172-related condition; IFT172-related disorders.

gnomAD v4.1: 1 of 1,608,810 alleles (0.000062%); highest among the groups gnomAD compares: African/African-American, 0.0013%; no homozygotes.

Submission:

PreventionGenetics, part of Exact Sciences
Classification: Likely benign for IFT172-related condition. Last evaluated: 2026-06-09. Review status: criteria provided, single submitter. Criteria: ACMG Guidelines, 2015. Collection method: clinical testing. Allele origin: germline.
Comment: This variant is classified as likely benign based on ACMG/AMP sequence variant interpretation guidelines (Richards et al. 2015 PMID: 25741868, with internal and published modifications).